The following is an entry in ClinVar:

ClinVar aggregate classification (germline): Benign/Likely benign. Review status: criteria provided, multiple submitters, no conflicts (2 of 4 stars). 4 submissions from 4 submitters: Benign (1); Likely benign (2). 1 of the submissions does not count toward it. Last evaluated 2025-08-31.

Conditions:
Wiedemann-Steiner syndrome (WDSTS). Also called: Growth deficiency and mental retardation with facial dysmorphism. Identifiers: Orphanet 319182, MedGen C1854630, MONDO:0011518, OMIM 605130.
KMT2A-related disorder. Also called: KMT2A-related condition.

Allele frequency attached by ClinVar (database versions not stated): gnomAD 0.00001; TOPMed 0.00004; 1000 Genomes Project 30x 0.00078.

Submissions (4):

Labcorp Genetics (formerly Invitae), Labcorp
Classification: Benign. Last evaluated: 2025-08-31. Review status: criteria provided, single submitter. Criteria: Invitae Variant Classification Sherloc (09022015). Collection method: clinical testing. Allele origin: germline.

Blueprint Genetics
Classification: Likely benign. Last evaluated: 2024-11-19. Review status: criteria provided, single submitter. Criteria: ACMG Guidelines, 2015. Collection method: clinical testing. Allele origin: germline.

Fulgent Genetics
Classification: Likely benign for Wiedemann-Steiner syndrome. Last evaluated: 2022-03-23. Review status: criteria provided, single submitter. Criteria: ACMG Guidelines, 2015. Collection method: clinical testing. Allele origin: unknown.

PreventionGenetics, part of Exact Sciences
Classification: Likely benign for KMT2A-related condition. Last evaluated: 2024-01-14. Review status: no assertion criteria provided. Collection method: clinical testing. Allele origin: germline. Not counted in ClinVar's aggregate classification.
Comment: This variant is classified as likely benign based on ACMG/AMP sequence variant interpretation guidelines (Richards et al. 2015 PMID: 25741868, with internal and published modifications).

NM_001197104.2(KMT2A):c.135G>A (p.Pro45=)

Gene: KMT2A (lysine methyltransferase 2A; plus strand). Cytogenetic location: 11q23.3.
Variant type: single nucleotide variant.
Coding change: c.135G>A on transcript NM_001197104.2 (MANE Select); coding-DNA position 135, G replaced by A.
Protein change: p.Pro45=; no amino-acid change (proline 45 retained).
Molecular consequence: synonymous variant.
Genome position (GRCh38, 1-based): chr11:118,436,647, G>A. VCF-style: chr11-118436647-G-A. GRCh37 (hg19) VCF-style: chr11-118307362-G-A.
Other names: c.135G>A (NM_001197104.1); c.135G>A, p.Pro45= (NM_005933.4).
Identifiers: ClinVar variation 1566281 (VCV001566281.12), dbSNP rs9332746, ClinGen allele CA6303193.